The following is an entry in ClinVar:

NM_000388.4(CASR):c.1099C>T (p.Pro367Ser)

Gene: CASR (calcium sensing receptor; plus strand). Cytogenetic location: 3q21.1.
Variant type: single nucleotide variant.
Coding change: c.1099C>T on transcript NM_000388.4 (MANE Select); coding-DNA position 1099, C replaced by T.
Protein change: p.Pro367Ser; replaces proline 367 with serine.
Molecular consequence: missense variant.
Genome position (GRCh38, 1-based): chr3:122,262,134, C>T. VCF-style: chr3-122262134-C-T. GRCh37 (hg19) VCF-style: chr3-121980981-C-T.
Other names: c.1099C>T, p.Pro367Ser (NM_001178065.2); short protein forms P367S.
Identifiers: ClinVar variation 1437903 (VCV001437903.8), dbSNP rs534100808, ClinGen allele CA2569591.

ClinVar aggregate classification (germline): Uncertain significance (1 of 4 stars; one submission).

Conditions:
Familial hypocalciuric hypercalcemia (FHH). Also called: Familial benign hypercalcemia. Identifiers: Orphanet 405, MedGen C1809471, MONDO:0018458.
Autosomal dominant hypocalcemia 1 (HYPOC1). Also called: HYPOCALCEMIA, FAMILIAL. Identifiers: MedGen C3715128, MONDO:0011013, OMIM 601198.

Allele frequency attached by ClinVar (database versions not stated): gnomAD exomes below 0.00001 and 0.00002; gnomAD 0.00001; ExAC 0.00002; 1000 Genomes Project 30x 0.00047; 1000 Genomes Project 0.00060.
gnomAD v4.1: 4 of 1,614,184 alleles (0.00025%); highest among the groups gnomAD compares: East Asian, 0.0067%; no homozygotes.

Submission:

Labcorp Genetics (formerly Invitae), Labcorp
Classification: Uncertain significance for Familial hypocalciuric hypercalcemia; Autosomal dominant hypocalcemia 1. Last evaluated: 2024-07-28. Review status: criteria provided, single submitter. Criteria: Invitae Variant Classification Sherloc (09022015). Collection method: clinical testing. Allele origin: germline.
Comment: This sequence change replaces proline, which is neutral and non-polar, with serine, which is neutral and polar, at codon 367 of the CASR protein (p.Pro367Ser). This variant is present in population databases (rs534100808, gnomAD 0.006%). This variant has not been reported in the literature in individuals affected with CASR-related conditions. ClinVar contains an entry for this variant (Variation ID: 1437903). An algorithm developed to predict the effect of missense changes on protein structure and function outputs the following: PolyPhen-2: "Benign". The serine amino acid residue is found in multiple mammalian species, which suggests that this missense change does not adversely affect protein function. In summary, the available evidence is currently insufficient to determine the role of this variant in disease. Therefore, it has been classified as a Variant of Uncertain Significance.